The following is an entry in ClinVar:

ClinVar aggregate classification (germline): Uncertain significance. Review status: criteria provided, single submitter (1 of 4 stars). 2 submissions from 2 submitters: Uncertain significance (1). 1 of the submissions does not count toward it. Last evaluated 2025-07-24.

Conditions:
ABCB4-related disorder. Also called: ABCB4-related disorders; ABCB4-related condition.

Allele frequency attached by ClinVar (database versions not stated): gnomAD exomes below 0.00001; TOPMed below 0.00001; ExAC 0.00001; gnomAD 0.00001.
gnomAD v4.1: 4 of 1,614,104 alleles (0.00025%); highest among the groups gnomAD compares: Admixed American, 0.0017%; no homozygotes.

Submissions (2):

Women's Health and Genetics/Laboratory Corporation of America, LabCorp
Classification: Uncertain significance. Last evaluated: 2025-07-24. Review status: criteria provided, single submitter. Criteria: LabCorp Variant Classification Summary - May 2015. Collection method: clinical testing. Allele origin: germline.
Comment: Variant summary: ABCB4 c.41C>T (p.Pro14Leu) results in a non-conservative amino acid change in the encoded protein sequence. Algorithms developed to predict the effect of missense changes on protein structure and function are either unavailable or do not agree on the potential impact of this missense change. The variant allele was found at a frequency of 4e-06 in 251450 control chromosomes. The available data on variant occurrences in the general population are insufficient to allow any conclusion about variant significance. To our knowledge, no occurrence of c.41C>T in individuals affected with Progressive Familial Intrahepatic Cholestasis and no experimental evidence demonstrating its impact on protein function have been reported. ClinVar contains an entry for this variant (Variation ID: 3047421). Based on the evidence outlined above, the variant was classified as uncertain significance.

PreventionGenetics, part of Exact Sciences
Classification: Uncertain significance for ABCB4-related condition. Last evaluated: 2024-01-18. Review status: no assertion criteria provided. Collection method: clinical testing. Allele origin: germline. Not counted in ClinVar's aggregate classification.
Comment: The ABCB4 c.41C>T variant is predicted to result in the amino acid substitution p.Pro14Leu. To our knowledge, this variant has not been reported in the literature. This variant is reported in 0.0023% of alleles in individuals of European (Non-Finnish) descent in gnomAD. At this time, the clinical significance of this variant is uncertain due to the absence of conclusive functional and genetic evidence.

NM_000443.4(ABCB4):c.41C>T (p.Pro14Leu)

Genes: ABCB4 (ATP binding cassette subfamily B member 4; minus strand), LOC129998756 (ATAC-STARR-seq lymphoblastoid silent region 18347; plus strand). Cytogenetic location: 7q21.12.
Variant type: single nucleotide variant.
Coding change: c.41C>T on transcript NM_000443.4 (MANE Select); coding-DNA position 41, C replaced by T.
Protein change: p.Pro14Leu; replaces proline 14 with leucine.
Molecular consequence: missense variant.
Genome position (GRCh38, 1-based): chr7:87,475,425, G>A on the plus strand (C>T on the coding strand, the complement: ABCB4 is on the minus strand). VCF-style: chr7-87475425-G-A. GRCh37 (hg19) VCF-style: chr7-87104741-G-A.
Other names: c.41C>T, p.Pro14Leu (NM_018849.3, NM_018850.3); short protein forms P14L.
Identifiers: ClinVar variation 3047421 (VCV003047421.3), dbSNP rs763754202, ClinGen allele CA4327652.
Genomic context (GRCh38, chr7:87,475,425, plus strand): 5'-CAGTGGCTGCTGGGGATGTACCTGCTGATGCCCAGTTCAAAGTCGCCCTCCGCGCTCGTG[G>A]GGCGCCAGGCTGTTCCGTTCTTTGCCGCCTCAAGATCCATCTCAGCCTGAGGAGAAACCA-3'
Protein context (NP_000434.1, residues 4-24): EAAKNGTAWR[Pro14Leu]TSAEGDFELG